The following is an entry in ClinVar:

ClinVar aggregate classification (germline): Uncertain significance. Review status: criteria provided, multiple submitters, no conflicts (2 of 4 stars). 2 submissions from 2 submitters: Uncertain significance (2). Last evaluated 2025-08-25.

Conditions:
Familial hypercholesterolemia. Also called: Familial hypercholesterolaemia. Identifiers: MedGen C0020445, MONDO:0005439.

gnomAD v4.1: 1 of 1,495,170 alleles (0.000067%); highest among the groups gnomAD compares: Admixed American, 0.002%; no homozygotes.

Submissions (2):

Color Diagnostics, LLC DBA Color Health
Classification: Uncertain significance for Familial hypercholesterolemia. Last evaluated: 2025-08-25. Review status: criteria provided, single submitter. Criteria: ACMG Guidelines, 2015. Collection method: clinical testing. Allele origin: germline.
Comment: This missense variant replaces serine with phenylalanine at codon 326 of the PCSK9 protein. Computational prediction suggests that this variant may have deleterious impact on protein structure and function. To our knowledge, functional studies have not been reported for this variant. This variant has not been reported in individuals affected with PCSK9-related disorders in the literature. This variant has been identified in 1/153704 chromosomes in the general population by the Genome Aggregation Database (gnomAD). The available evidence is insufficient to determine the role of this variant in disease conclusively. Therefore, this variant is classified as a Variant of Uncertain Significance.

GeneDx
Classification: Uncertain significance. Last evaluated: 2025-05-31. Review status: criteria provided, single submitter. Criteria: GeneDx Variant Classification Process June 2021. Collection method: clinical testing. Allele origin: germline. Affected: yes.
Comment: Not observed at significant frequency in large population cohorts (gnomAD); In silico analysis supports that this missense variant has a deleterious effect on protein structure/function; Has not been previously published as pathogenic or benign to our knowledge

NM_174936.4(PCSK9):c.977C>T (p.Ser326Phe)

Gene: PCSK9 (proprotein convertase subtilisin/kexin type 9; plus strand). Cytogenetic location: 1p32.3.
Variant type: single nucleotide variant.
Coding change: c.977C>T on transcript NM_174936.4 (MANE Select); coding-DNA position 977, C replaced by T.
Protein change: p.Ser326Phe; replaces serine 326 with phenylalanine.
Molecular consequence: missense variant. On other transcripts: non-coding transcript variant (8).
Genome position (GRCh38, 1-based): chr1:55,056,170, C>T. VCF-style: chr1-55056170-C-T. GRCh37 (hg19) VCF-style: chr1-55521843-C-T.
Other names: c.1100C>T, p.Ser367Phe (NM_001407240.1); c.977C>T, p.Ser326Phe (NM_001407241.1, NM_001407244.1, NM_001407247.1); c.980C>T, p.Ser327Phe (NM_001407242.1); c.920C>T, p.Ser307Phe (NM_001407243.1); c.785C>T, p.Ser262Phe (NM_001407245.1); c.602C>T, p.Ser201Phe (NM_001407246.1); short protein forms S201F, S262F, S307F, S326F, S327F, S367F.
Identifiers: ClinVar variation 4536251 (VCV004536251.2).
Genomic context (GRCh38, chr1:55,056,170, plus strand): 5'-GGGCTGGGGTCGTGCTGGTCACCGCTGCCGGCAACTTCCGGGACGATGCCTGCCTCTACT[C>T]CCCAGCCTCAGCTCCCGAGGTAGGTGCTGGGGCTGCTGCCCCAAGGCGCGGGTAGGGGGC-3'
Protein context (NP_777596.2, residues 316-336): GNFRDDACLY[Ser326Phe]PASAPEVITV